The following is an entry in ClinVar:

NM_006929.5(SKIC2):c.2110G>A (p.Ala704Thr)

Gene: SKIC2 (SKI2 subunit of superkiller complex; plus strand). Cytogenetic location: 6p21.33.
Variant type: single nucleotide variant.
Coding change: c.2110G>A on transcript NM_006929.5 (MANE Select); coding-DNA position 2110, G replaced by A.
Protein change: p.Ala704Thr; replaces alanine 704 with threonine.
Molecular consequence: missense variant.
Genome position (GRCh38, 1-based): chr6:31,965,921, G>A. VCF-style: chr6-31965921-G-A. GRCh37 (hg19) VCF-style: chr6-31933698-G-A.
Other names: short protein forms A704T.
Identifiers: ClinVar variation 1997572 (VCV001997572.4), dbSNP rs2482964318, ClinGen allele CA363468199.
Genomic context (GRCh38, chr6:31,965,921, plus strand): 5'-CACGATGGCTCCACCTTCCGGGACCTGCTCCCTGGGGAGTATGTGCAGATGGCAGGCCGG[G>A]CAGGGCGGAGGGGCCTGGACCCCACAGGCACCGTTATCCTGCTCTGCAAGGGCCGAGTGC-3'
Protein context (NP_008860.4, residues 694-714): PGEYVQMAGR[Ala704Thr]GRRGLDPTGT

ClinVar aggregate classification (germline): Uncertain significance (1 of 4 stars; one submission).

Submission:

Labcorp Genetics (formerly Invitae), Labcorp
Classification: Uncertain significance. Last evaluated: 2022-10-04. Review status: criteria provided, single submitter. Criteria: Invitae Variant Classification Sherloc (09022015). Collection method: clinical testing. Allele origin: germline.
Comment: In summary, the available evidence is currently insufficient to determine the role of this variant in disease. Therefore, it has been classified as a Variant of Uncertain Significance. Algorithms developed to predict the effect of missense changes on protein structure and function are either unavailable or do not agree on the potential impact of this missense change (SIFT: "Deleterious"; PolyPhen-2: "Probably Damaging"; Align-GVGD: "Class C0"). This variant has not been reported in the literature in individuals affected with SKIV2L-related conditions. This variant is not present in population databases (gnomAD no frequency). This sequence change replaces alanine, which is neutral and non-polar, with threonine, which is neutral and polar, at codon 704 of the SKIV2L protein (p.Ala704Thr).